The following is an entry in ClinVar:

NM_000037.4(ANK1):c.44G>C (p.Ser15Thr)

Gene: ANK1 (ankyrin 1; minus strand). Cytogenetic location: 8p11.21.
Variant type: single nucleotide variant.
Coding change: c.44G>C on transcript NM_000037.4 (MANE Select); coding-DNA position 44, G replaced by C.
Protein change: p.Ser15Thr; replaces serine 15 with threonine.
Molecular consequence: missense variant.
Genome position (GRCh38, 1-based): chr8:41,758,121, C>G on the plus strand (G>C on the coding strand, the complement: ANK1 is on the minus strand). VCF-style: chr8-41758121-C-G. GRCh37 (hg19) VCF-style: chr8-41615639-C-G.
Other names: c.143G>C, p.Ser48Thr (NM_001142446.2); c.44G>C, p.Ser15Thr (NM_020475.3, NM_020476.3, NM_020477.3); short protein forms S48T, S15T.
Identifiers: ClinVar variation 2801330 (VCV002801330.3), dbSNP rs2487161324, ClinGen allele CA371054249.

ClinVar aggregate classification (germline): Uncertain significance (1 of 4 stars; one submission).

Submission:

Labcorp Genetics (formerly Invitae), Labcorp
Classification: Uncertain significance. Last evaluated: 2023-01-23. Review status: criteria provided, single submitter. Criteria: Invitae Variant Classification Sherloc (09022015). Collection method: clinical testing. Allele origin: germline.
Comment: In summary, the available evidence is currently insufficient to determine the role of this variant in disease. Therefore, it has been classified as a Variant of Uncertain Significance. Advanced modeling of protein sequence and biophysical properties (such as structural, functional, and spatial information, amino acid conservation, physicochemical variation, residue mobility, and thermodynamic stability) performed at Invitae indicates that this missense variant is not expected to disrupt ANK1 protein function. This variant has not been reported in the literature in individuals affected with ANK1-related conditions. This variant is not present in population databases (gnomAD no frequency). This sequence change replaces serine, which is neutral and polar, with threonine, which is neutral and polar, at codon 15 of the ANK1 protein (p.Ser15Thr).